The following is an entry in ClinVar:

NM_001009944.3(PKD1):c.9640C>T (p.Leu3214=)

Gene: PKD1 (polycystin 1, transient receptor potential channel interacting; minus strand). Cytogenetic location: 16p13.3.
Variant type: single nucleotide variant.
Coding change: c.9640C>T on transcript NM_001009944.3 (MANE Select); coding-DNA position 9640, C replaced by T.
Protein change: p.Leu3214=; no amino-acid change (leucine 3214 retained).
Molecular consequence: synonymous variant.
Genome position (GRCh38, 1-based): chr16:2,100,238, G>A on the plus strand (C>T on the coding strand, the complement: PKD1 is on the minus strand). VCF-style: chr16-2100238-G-A. GRCh37 (hg19) VCF-style: chr16-2150239-G-A.
Other names: p.Leu3214=; c.9640C>T, p.Leu3214= (NM_000296.4).
Identifiers: ClinVar variation 997158 (VCV000997158.28), dbSNP rs12102740, ClinGen allele CA7829986.

ClinVar aggregate classification (germline): Likely benign. Review status: criteria provided, multiple submitters, no conflicts (2 of 4 stars). 5 submissions from 5 submitters: Likely benign (4). 1 of the submissions does not count toward it. Last evaluated 2025-09-23.

Conditions:
Polycystic kidney disease, adult type (PKD1). Also called: Polycystic Kidney, Autosomal Dominant; POLYCYSTIC KIDNEY DISEASE, ADULT, TYPE I; Polycystic Kidney Disease 1, Autosomal Dominant; Polycystic kidney disease 1; Polycystic kidney disease 1, severe; POLYCYSTIC KIDNEY DISEASE 1 WITH OR WITHOUT POLYCYSTIC LIVER DISEASE. Identifiers: MedGen C3149841, MONDO:0008263, OMIM 173900.
Polycystic kidney disease. Also called: Kidney, Polycystic; Polycystic kidney dysplasia. Identifiers: MedGen C0022680, MeSH D007690, MONDO:0020642, HP:0000113.

Allele frequency attached by ClinVar (database versions not stated): gnomAD exomes 0.00022; ExAC 0.00029; 1000 Genomes Project 0.00040; 1000 Genomes Project 30x 0.00047; gnomAD 0.00068 and 0.00073; TOPMed 0.00085; ESP Exome Variant Server 0.00131.
gnomAD v4.1: 203 of 1,610,612 alleles (0.013%); highest among the groups gnomAD compares: African/African-American, 0.23%; no homozygotes.

Submissions (5):

Mayo Clinic Laboratories, Mayo Clinic
Classification: Likely benign. Last evaluated: 2025-09-23. Review status: criteria provided, single submitter. Criteria: ACMG Guidelines, 2015. Collection method: clinical testing. Allele origin: germline. Observed: 2 variant alleles.
Comment: BS1, BP4, BP7

Women's Health and Genetics/Laboratory Corporation of America, LabCorp
Classification: Likely benign. Last evaluated: 2024-08-28. Review status: criteria provided, single submitter. Criteria: LabCorp Variant Classification Summary - May 2015. Collection method: clinical testing. Allele origin: germline.

CeGaT Center for Human Genetics Tuebingen
Classification: Likely benign. Last evaluated: 2023-04-01. Review status: criteria provided, single submitter. Criteria: CeGaT Center For Human Genetics Tuebingen Variant Classification Criteria Version 2. Collection method: clinical testing. Allele origin: germline. Affected: yes. Observed: 1 variant allele.
Comment: PKD1: BP4, BP7

Fulgent Genetics
Classification: Likely benign for Polycystic kidney disease, adult type. Last evaluated: 2021-09-01. Review status: criteria provided, single submitter. Criteria: ACMG Guidelines, 2015. Collection method: clinical testing. Allele origin: unknown.

Department of Pathology and Laboratory Medicine, Sinai Health System
Classification: Likely benign for Polycystic Kidney disease. Review status: no assertion criteria provided. Collection method: clinical testing. Allele origin: unknown. Affected: yes. Observed: 1 variant allele. Study: The Canadian Open Genetics Repository (COGR). Not counted in ClinVar's aggregate classification.
Comment: The PKD1 p.Leu3214= variant was not identified in the literature nor was it identified in the ClinVar, GeneInsight-COGR, LOVD 3.0, or PKD1-LOVD, databases. The variant was identified in dbSNP (ID: rs12102740) and in ADPKD Mutation Database (as likely neutral). The variant was identified in control databases in 72 of 274250 chromosomes at a frequency of 0.00026 increasing the likelihood this could be a low frequency benign variant (Genome Aggregation Database Feb 27, 2017). The variant was observed in the following populations: African in 62 of 23380 chromosomes (freq: 0.0026), Latino in 9 of 34364 chromosomes (freq: 0.00026), European in 1 of 124764 chromosomes (freq: 0.000008), while the variant was not observed in the Other, Ashkenazi Jewish, East Asian, Finnish, and South Asian populations. In addition we cannot be certain that data from control databases is specific to PKD1 and not from one of the six PKD1 pseudogenes. The p.Leu3214= variant is not expected to have clinical significance because it does not result in a change of amino acid and is not located in a known consensus splice site. In addition, in silico or computational prediction software programs (SpliceSiteFinder, MaxEntScan, NNSPLICE, GeneSplicer) do not predict a difference in splicing. In summary, based on the above information the clinical significance of this variant cannot be determined with certainty at this time although we would lean towards a more benign role for this variant. This variant is classified as likely benign.